The following is an entry in ClinVar:

ClinVar aggregate classification (germline): Uncertain significance (1 of 4 stars; one submission).

Conditions:
Cardiovascular phenotype. Identifiers: MedGen CN230736.

gnomAD v4.1: 1 of 1,556,468 alleles (0.000064%); highest among the groups gnomAD compares: Non-Finnish European, 0.000087%; no homozygotes.

Submission:

Ambry Genetics
Classification: Uncertain significance for Cardiovascular phenotype. Last evaluated: 2026-01-02. Review status: criteria provided, single submitter. Criteria: Ambry Variant Classification Scheme 2023. Collection method: clinical testing. Allele origin: germline.
Comment: The p.D790Y variant (also known as c.2368G>T), located in coding exon 15 of the FLNC gene, results from a G to T substitution at nucleotide position 2368. The aspartic acid at codon 790 is replaced by tyrosine, an amino acid with highly dissimilar properties. This amino acid position is conserved. In addition, this alteration is predicted to be deleterious by in silico analysis. Based on the available evidence, the clinical significance of this variant remains unclear.

NM_001458.5(FLNC):c.2368G>T (p.Asp790Tyr)

Gene: FLNC (filamin C; plus strand). Cytogenetic location: 7q32.1.
Variant type: single nucleotide variant.
Coding change: c.2368G>T on transcript NM_001458.5 (MANE Select); coding-DNA position 2368, G replaced by T.
Protein change: p.Asp790Tyr; replaces aspartic acid 790 with tyrosine.
Molecular consequence: missense variant.
Genome position (GRCh38, 1-based): chr7:128,842,677, G>T. VCF-style: chr7-128842677-G-T. GRCh37 (hg19) VCF-style: chr7-128482731-G-T.
Other names: c.2368G>T, p.Asp790Tyr (NM_001127487.2); short protein forms D790Y.
Identifiers: ClinVar variation 4842740 (VCV004842740.1).